The following is an entry in ClinVar:

ClinVar aggregate classification (germline): Uncertain significance (1 of 4 stars; one submission).

Submission:

Labcorp Genetics (formerly Invitae), Labcorp
Classification: Uncertain significance. Last evaluated: 2024-04-27. Review status: criteria provided, single submitter. Criteria: Invitae Variant Classification Sherloc (09022015). Collection method: clinical testing. Allele origin: germline.
Comment: This sequence change affects an acceptor splice site in intron 26 of the POLR1A gene. It is expected to disrupt RNA splicing. Variants that disrupt the donor or acceptor splice site typically lead to a loss of protein function (PMID: 16199547), however the current clinical and genetic evidence is not sufficient to establish whether loss-of-function variants in POLR1A cause disease. This variant is not present in population databases (gnomAD no frequency). This variant has not been reported in the literature in individuals affected with POLR1A-related conditions. Algorithms developed to predict the effect of sequence changes on RNA splicing suggest that this variant may disrupt the consensus splice site. In summary, the available evidence is currently insufficient to determine the role of this variant in disease. Therefore, it has been classified as a Variant of Uncertain Significance.

Literature cited by the submitters: PubMed 16199547.

NM_015425.6(POLR1A):c.3877-2A>C

Gene: POLR1A (RNA polymerase I subunit A; minus strand). Cytogenetic location: 2p11.2.
Variant type: single nucleotide variant.
Coding change: c.3877-2A>C on transcript NM_015425.6 (MANE Select); the canonical splice acceptor site of the intron before coding-DNA position 3877, A replaced by C.
Molecular consequence: splice acceptor variant.
Genome position (GRCh38, 1-based): chr2:86,038,859, T>G on the plus strand (A>C on the coding strand, the complement: POLR1A is on the minus strand). VCF-style: chr2-86038859-T-G. GRCh37 (hg19) VCF-style: chr2-86265982-T-G.
Identifiers: ClinVar variation 3651344 (VCV003651344.2).
Genomic context (GRCh38, chr2:86,038,859, plus strand): 5'-AATTTGTTCTGTTTTTCTTCCATACAGAAGGACTCCTGGACGTCAATTTTCTGCAACACC[T>G]GGAACCAGACGGACAGAGAGAACTTGACTTGTTCAGGTCCTAGGTGACTGCGCAATGTGA-3'